The following is an entry in ClinVar:

NM_052876.4(NACC1):c.282G>A (p.Val94=)

Gene: NACC1 (nucleus accumbens associated 1; plus strand). Cytogenetic location: 19p13.13.
Variant type: single nucleotide variant.
Coding change: c.282G>A on transcript NM_052876.4 (MANE Select); coding-DNA position 282, G replaced by A.
Protein change: p.Val94=; no amino-acid change (valine 94 retained).
Molecular consequence: synonymous variant.
Genome position (GRCh38, 1-based): chr19:13,135,489, G>A. VCF-style: chr19-13135489-G-A. GRCh37 (hg19) VCF-style: chr19-13246303-G-A.
Identifiers: ClinVar variation 725570 (VCV000725570.43), dbSNP rs148939487, ClinGen allele CA9238247.
Genomic context (GRCh38, chr19:13,135,489, plus strand): 5'-GCCCCAGTCTTTCCAGCAGATCCTCAGCTTCTGCTACACGGGCCGGCTGAGCATGAACGT[G>A]GGCGACCAGTTCCTGCTCATGTACACGGCTGGCTTCCTGCAGATCCAGGAGATCATGGAG-3'
Protein context (NP_443108.1, residues 84-104): FCYTGRLSMN[Val94=]GDQFLLMYTA

ClinVar aggregate classification (germline): Benign/Likely benign. Review status: criteria provided, multiple submitters, no conflicts (2 of 4 stars). 5 submissions from 5 submitters: Benign (3); Likely benign (1). 1 of the submissions does not count toward it. Last evaluated 2026-02-01.

Conditions:
NACC1-related disorder. Also called: NACC1-related condition.

Allele frequency attached by ClinVar (database versions not stated): 1000 Genomes Project 0.00100; 1000 Genomes Project 30x 0.00125; TOPMed 0.00148; ESP Exome Variant Server 0.00169.
gnomAD v4.1: 3,555 of 1,613,770 alleles (0.22%); highest among the groups gnomAD compares: Middle Eastern, 0.4%; 6 homozygotes.

Submissions (5):

Labcorp Genetics (formerly Invitae), Labcorp
Classification: Benign. Last evaluated: 2026-02-01. Review status: criteria provided, single submitter. Criteria: Invitae Variant Classification Sherloc (09022015). Collection method: clinical testing. Allele origin: germline.

Blueprint Genetics
Classification: Likely benign. Last evaluated: 2024-11-26. Review status: criteria provided, single submitter. Criteria: ACMG Guidelines, 2015. Collection method: clinical testing. Allele origin: germline.

CeGaT Center for Human Genetics Tuebingen
Classification: Benign. Last evaluated: 2022-06-01. Review status: criteria provided, single submitter. Criteria: CeGaT Center For Human Genetics Tuebingen Variant Classification Criteria Version 2. Collection method: clinical testing. Allele origin: germline. Affected: yes. Observed: 2 variant alleles.
Comment: NACC1: BS1, BS2

Breakthrough Genomics
Classification: Benign. Review status: criteria provided, single submitter. Criteria: ACMG Guidelines, 2015. Collection method: not provided. Allele origin: germline. Inheritance: Autosomal dominant inheritance. Affected: yes.

PreventionGenetics, part of Exact Sciences
Classification: Likely benign for NACC1-related condition. Last evaluated: 2019-07-10. Review status: no assertion criteria provided. Collection method: clinical testing. Allele origin: germline. Not counted in ClinVar's aggregate classification.
Comment: This variant is classified as likely benign based on ACMG/AMP sequence variant interpretation guidelines (Richards et al. 2015 PMID: 25741868, with internal and published modifications).